The following is an entry in ClinVar:

NM_000179.3(MSH6):c.3190_3224dup (p.Cys1075fs)

Gene: MSH6 (mutS homolog 6; plus strand). Cytogenetic location: 2p16.3.
Variant type: Duplication.
Coding change: c.3190_3224dup on transcript NM_000179.3 (MANE Select); coding-DNA positions 3190 to 3224, 35 bases duplicated.
Protein change: p.Cys1075fs; shifts the reading frame from cysteine 1075.
Molecular consequence: frameshift variant. On other transcripts: initiator codon variant (1), non-coding transcript variant (5), intron variant (1).
Genome position (GRCh38, 1-based): chr2:47,803,437-47,803,471, 35 bases duplicated; duplicating any 35 consecutive bases within chr2:47,803,435-47,803,471 gives the same sequence; the c. name uses the placement nearest the transcript's 3' end. GRCh37 (hg19): chr2:48,030,576-48,030,610.
Other names: c.2800_2834dup, p.Cys945fs (NM_001281492.2); c.2284_2318dup, p.Cys773fs (NM_001281493.2, NM_001281494.2, NM_001406811.1 and 6 more transcripts); c.3286_3320dup, p.Cys1107fs (NM_001406795.1, NM_001406802.1); c.3190_3224dup, p.Cys1075fs (NM_001406796.1, NM_001406800.1, NM_001406808.1 and 1 more transcripts); c.2893_2927dup, p.Cys976fs (NM_001406797.1, NM_001406801.1, NM_001406805.1 and 10 more transcripts); c.2665_2699dup, p.Cys900fs (NM_001406799.1, NM_001406806.1, NM_001406807.1); c.2326_2360dup, p.Cys787fs (NM_001406803.1); c.3112_3146dup, p.Cys1049fs (NM_001406804.1); and 7 more; short protein forms C1019fs, C1049fs, C1075fs, C1077fs, C1107fs, C24fs, C2fs, C390fs.
Identifiers: ClinVar variation 2673601 (VCV002673601.3), dbSNP rs2530758402, ClinGen allele CA2695200648.
Genomic context (GRCh38, chr2:47,803,434, plus strand): 5'-AAACCCCCAAACGATGAAGCCTCACTTTTACCCTCTCTTTTAACAGATGTTTTACTGTGC[C>CTGGCTAACTATAGTCGAGGGGGTGATGGTCCTATG]TGGCTAACTATAGTCGAGGGGGTGATGGTCCTATGTGTCGCCCAGTAATTCTGTTGCCGG-3'

ClinVar aggregate classification (germline): Pathogenic. Review status: criteria provided, multiple submitters, no conflicts (2 of 4 stars). 2 submissions from 2 submitters: Pathogenic (2). Last evaluated 2023-08-22.

Conditions:
Hereditary cancer-predisposing syndrome. Also called: Tumor predisposition; Hereditary neoplastic syndrome; Neoplastic Syndromes, Hereditary; Hereditary Cancer Syndrome. Identifiers: Orphanet 140162, MedGen C0027672, MeSH D009386, MONDO:0015356.
Lynch syndrome 5 (LYNCH5). Also called: Colorectal cancer, hereditary nonpolyposis, type 5; Hereditary non-polyposis colorectal cancer, type 5. Identifiers: Orphanet 144, MedGen C1833477, MONDO:0013710, OMIM 614350. Disease mechanism: loss of function.

Submissions (2):

Myriad Genetics, Inc.
Classification: Pathogenic for Lynch syndrome 5. Last evaluated: 2023-08-22. Review status: criteria provided, single submitter. Criteria: Myriad Autosomal Dominant, Autosomal Recessive and X-Linked Classification Criteria (2023). Collection method: clinical testing. Allele origin: unknown.
Comment: This variant is considered pathogenic. This variant creates a frameshift predicted to result in premature protein truncation.

Color Diagnostics, LLC DBA Color Health
Classification: Pathogenic for Hereditary cancer-predisposing syndrome. Last evaluated: 2023-05-17. Review status: criteria provided, single submitter. Criteria: ACMG Guidelines, 2015. Collection method: clinical testing. Allele origin: germline.
Comment: This variant inserts 35 nucleotides in exon 5 of the MSH6 gene, creating a frameshift and premature translation stop signal. This variant is expected to result in an absent or non-functional protein product. To our knowledge, this variant has not been reported in individuals affected with MSH6-related disorders in the literature. This variant has not been identified in the general population by the Genome Aggregation Database (gnomAD). Loss of MSH6 function is a known mechanism of disease. Based on the available evidence, this variant is classified as Pathogenic.